The following is an entry in ClinVar:

NM_001844.5(COL2A1):c.1941+3A>G

Gene: COL2A1 (collagen type II alpha 1 chain; minus strand). Cytogenetic location: 12q13.11.
Variant type: single nucleotide variant.
Coding change: c.1941+3A>G on transcript NM_001844.5 (MANE Select); 3 bases into the intron after coding-DNA position 1941, A replaced by G.
Molecular consequence: intron variant.
Genome position (GRCh38, 1-based): chr12:47,984,084, T>C on the plus strand (A>G on the coding strand, the complement: COL2A1 is on the minus strand). VCF-style: chr12-47984084-T-C. GRCh37 (hg19) VCF-style: chr12-48377867-T-C.
Other names: c.1734+3A>G (NM_033150.3).
Identifiers: ClinVar variation 4808662 (VCV004808662.1).

ClinVar aggregate classification (germline): Uncertain significance (1 of 4 stars; one submission).

Submission:

Labcorp Genetics (formerly Invitae), Labcorp
Classification: Uncertain significance. Last evaluated: 2025-09-04. Review status: criteria provided, single submitter. Criteria: Invitae Variant Classification Sherloc (09022015). Collection method: clinical testing. Allele origin: germline.
Comment: This sequence change falls in intron 29 of the COL2A1 gene. It does not directly change the encoded amino acid sequence of the COL2A1 protein. It affects a nucleotide within the consensus splice site. This variant is not present in population databases (gnomAD no frequency). This variant has not been reported in the literature in individuals affected with COL2A1-related conditions. Variants that disrupt the consensus splice site are a relatively common cause of aberrant splicing (PMID: 17576681, 9536098). Algorithms developed to predict the effect of sequence changes on RNA splicing suggest that this variant is not likely to affect RNA splicing. In summary, the available evidence is currently insufficient to determine the role of this variant in disease. Therefore, it has been classified as a Variant of Uncertain Significance.

Literature cited by the submitters: PubMed 17576681; PubMed 9536098.